The following is an entry in ClinVar:

NM_020207.7(ERCC6L2):c.3472A>G (p.Ile1158Val)

Gene: ERCC6L2 (ERCC excision repair 6 like 2; plus strand). Cytogenetic location: 9q22.32.
Variant type: single nucleotide variant.
Coding change: c.3472A>G on transcript NM_020207.7 (MANE Select); coding-DNA position 3472, A replaced by G.
Protein change: p.Ile1158Val; replaces isoleucine 1158 with valine.
Molecular consequence: missense variant. On other transcripts: non-coding transcript variant (1).
Genome position (GRCh38, 1-based): chr9:95,978,195, A>G. VCF-style: chr9-95978195-A-G. GRCh37 (hg19) VCF-style: chr9-98740477-A-G.
Other names: c.3472A>G, p.Ile1158Val (NM_001375291.1, NM_001375292.1, NM_001375293.1 and 1 more transcripts); short protein forms I1158V.
Identifiers: ClinVar variation 2981065 (VCV002981065.2), dbSNP rs762528186, ClinGen allele CA5139927.

ClinVar aggregate classification (germline): Uncertain significance (1 of 4 stars; one submission).

Allele frequency attached by ClinVar (database versions not stated): ExAC 0.00001; gnomAD 0.00001; TOPMed 0.00002; gnomAD exomes 0.00005.
gnomAD v4.1: 64 of 1,366,098 alleles (0.0047%); highest among the groups gnomAD compares: Non-Finnish European, 0.0059%; no homozygotes.

Submission:

Labcorp Genetics (formerly Invitae), Labcorp
Classification: Uncertain significance. Last evaluated: 2026-01-08. Review status: criteria provided, single submitter. Criteria: Invitae Variant Classification Sherloc (09022015). Collection method: clinical testing. Allele origin: germline.
Comment: This sequence change replaces isoleucine, which is neutral and non-polar, with valine, which is neutral and non-polar, at codon 1169 of the ERCC6L2 protein (p.Ile1169Val). This variant is present in population databases (rs762528186, gnomAD 0.004%). This variant has not been reported in the literature in individuals affected with ERCC6L2-related conditions. ClinVar contains an entry for this variant (Variation ID: 2981065). Experimental studies and prediction algorithms are not available or were not evaluated, and the functional significance of this variant is currently unknown. In summary, the available evidence is currently insufficient to determine the role of this variant in disease. Therefore, it has been classified as a Variant of Uncertain Significance.